The following is an entry in ClinVar:

NM_000540.3(RYR1):c.9333G>A (p.Arg3111=)

Gene: RYR1 (ryanodine receptor 1; plus strand). Cytogenetic location: 19q13.2.
Variant type: single nucleotide variant.
Coding change: c.9333G>A on transcript NM_000540.3 (MANE Select); coding-DNA position 9333, G replaced by A.
Protein change: p.Arg3111=; no amino-acid change (arginine 3111 retained).
Molecular consequence: synonymous variant.
Genome position (GRCh38, 1-based): chr19:38,512,344, G>A. VCF-style: chr19-38512344-G-A. GRCh37 (hg19) VCF-style: chr19-39002984-G-A.
Other names: c.9333G>A, p.Arg3111= (NM_001042723.2).
Identifiers: ClinVar variation 2793735 (VCV002793735.4), dbSNP rs765039553, ClinGen allele CA507354426.

ClinVar aggregate classification (germline): Likely benign. Review status: criteria provided, multiple submitters, no conflicts (2 of 4 stars). 2 submissions from 2 submitters: Likely benign (2). Last evaluated 2023-03-23.

Conditions:
Malignant hyperthermia, susceptibility to, 1 (MHS1). Also called: Anesthesia related hyperthermia; Malignant hyperpyrexia; Fulminating hyperpyrexia; Pharmacogenic myopathy; Malignant hyperthermia suceptibility 1; RYR1-Related Malignant Hyperthermia Susceptibility. Identifiers: Orphanet 423, MedGen C2930980, MONDO:0007783, OMIM 145600.
RYR1-related disorder. Also called: RYR1-related condition; RYR1-related disorders. Identifiers: MedGen CN239331.

Submissions (2):

All of Us Research Program, National Institutes of Health
Classification: Likely benign for Malignant hyperthermia, susceptibility to, 1. Last evaluated: 2023-03-23. Review status: criteria provided, single submitter. Criteria: ACMG Guidelines, 2015. Collection method: clinical testing. Allele origin: germline. Inheritance: Autosomal dominant inheritance. Observed: 1 variant allele, 1 heterozygote.
Comment: This study involves interpretation of variants in research participants for the purpose of population health screening. Participant phenotype was not available at the time of variant classification. Additional details can be found in publication PMID: 35346344, PMCID: PMC8962531

Labcorp Genetics (formerly Invitae), Labcorp
Classification: Likely benign for RYR1-related disorder. Last evaluated: 2022-12-22. Review status: criteria provided, single submitter. Criteria: Invitae Variant Classification Sherloc (09022015). Collection method: clinical testing. Allele origin: germline.